The following is an entry in ClinVar:

ClinVar aggregate classification (germline): Uncertain significance (1 of 4 stars; one submission).

Conditions:
Osteogenesis imperfecta (OI). Identifiers: Orphanet 666, MedGen C0029434, MeSH D010013, MONDO:0019019.

Submission:

Women's Health and Genetics/Laboratory Corporation of America, LabCorp
Classification: Uncertain significance for Osteogenesis Imperfecta. Last evaluated: 2011-08-18. Review status: criteria provided, single submitter. Criteria: LabCorp Variant Classification Summary - May 2015. Collection method: curation, clinical testing. Allele origin: germline. Inheritance: autosomal unknown. Affected: yes.
ClinVar note: Converted during submission from uncertain to Uncertain significance.

NM_000089.4(COL1A2):c.1557+5G>T

Gene: COL1A2 (collagen type I alpha 2 chain; plus strand). Cytogenetic location: 7q21.3.
Variant type: single nucleotide variant.
Coding change: c.1557+5G>T on transcript NM_000089.4 (MANE Select); 5 bases into the intron after coding-DNA position 1557, G replaced by T.
Molecular consequence: intron variant.
Genome position (GRCh38, 1-based): chr7:94,413,141, G>T. VCF-style: chr7-94413141-G-T. GRCh37 (hg19) VCF-style: chr7-94042453-G-T.
Identifiers: ClinVar variation 35937 (VCV000035937.3), dbSNP rs193922161, ClinGen allele CA260344.